The following is an entry in ClinVar:

ClinVar aggregate classification (germline): Likely benign (1 of 4 stars; one submission).

Allele frequency attached by ClinVar (database versions not stated): gnomAD exomes below 0.00001.
gnomAD v4.1: 2 of 1,612,478 alleles (0.00012%); highest among the groups gnomAD compares: Admixed American, 0.0017%; no homozygotes.

Submission:

CeGaT Center for Human Genetics Tuebingen
Classification: Likely benign. Last evaluated: 2022-12-01. Review status: criteria provided, single submitter. Criteria: CeGaT Center For Human Genetics Tuebingen Variant Classification Criteria Version 2. Collection method: clinical testing. Allele origin: germline. Affected: yes. Observed: 1 variant allele.
Comment: ACTN3: BP4, BP7

NM_001104.4(ACTN3):c.2577C>T (p.Arg859=)

Gene: ACTN3 (actinin alpha 3; plus strand). Cytogenetic location: 11q13.2.
Variant type: single nucleotide variant.
Coding change: c.2577C>T on transcript NM_001104.4 (MANE Select); coding-DNA position 2577, C replaced by T.
Protein change: p.Arg859=; no amino-acid change (arginine 859 retained).
Molecular consequence: synonymous variant.
Genome position (GRCh38, 1-based): chr11:66,563,064, C>T. VCF-style: chr11-66563064-C-T. GRCh37 (hg19) VCF-style: chr11-66330535-C-T.
Other names: c.2706C>T, p.Arg902= (NM_001258371.3).
Identifiers: ClinVar variation 2641995 (VCV002641995.24), dbSNP rs774677359, ClinGen allele CA224079360.